The following is an entry in ClinVar:

ClinVar aggregate classification (germline): Uncertain significance (1 of 4 stars; one submission).

Conditions:
Polycystic kidney disease, adult type (PKD1). Also called: Polycystic Kidney, Autosomal Dominant; POLYCYSTIC KIDNEY DISEASE, ADULT, TYPE I; Polycystic Kidney Disease 1, Autosomal Dominant; Polycystic kidney disease 1; Polycystic kidney disease 1, severe; POLYCYSTIC KIDNEY DISEASE 1 WITH OR WITHOUT POLYCYSTIC LIVER DISEASE. Identifiers: MedGen C3149841, MONDO:0008263, OMIM 173900.

Submission:

Victorian Clinical Genetics Services, Murdoch Childrens Research Institute
Classification: Uncertain significance for Polycystic kidney disease, adult type. Last evaluated: 2025-05-26. Review status: criteria provided, single submitter. Criteria: ACMG Guidelines, 2015. Collection method: clinical testing. Allele origin: germline. Affected: yes.
Comment: This variant is classified as VUS-3B. Evidence in support of pathogenic classification: Variant is absent from gnomAD (v2, v3 and v4). Additional information: Variant is predicted to result in a missense amino acid change from glutamine to proline; This variant is heterozygous; This gene is associated with autosomal dominant disease. Polycystic kidney disease 1 (MIM#173900) is predominantly caused by monoallelic variants, with rare reports of biallelic variants causing disease (OMIM); Alternative amino acid change(s) at the same position are present in gnomAD (Highest allele count: v4: 10 heterozygote(s), 0 homozygote(s)); This variant has no previous evidence of pathogenicity; No published segregation evidence has been identified for this variant; No published functional evidence has been identified for this variant; Another missense variant comparable to the one identified in this case has inconclusive previous evidence for pathogenicity. The p.(Gln1116Leu) variant has been classified as a VUS by a clinical laboratory in ClinVar; Variant is located in the annotated PKD domain (DECIPHER); Missense variant with inconclusive in silico prediction and uninformative conservation; Loss of function is a known mechanism of disease in this gene and is associated with polycystic kidney disease 1 (MIM#173900); Inheritance information for this variant is not currently available in this individual.

NM_001009944.3(PKD1):c.3347A>C (p.Gln1116Pro)

Gene: PKD1 (polycystin 1, transient receptor potential channel interacting; minus strand). Cytogenetic location: 16p13.3.
Variant type: single nucleotide variant.
Coding change: c.3347A>C on transcript NM_001009944.3 (MANE Select); coding-DNA position 3347, A replaced by C.
Protein change: p.Gln1116Pro; replaces glutamine 1116 with proline.
Molecular consequence: missense variant.
Genome position (GRCh38, 1-based): chr16:2,111,820, T>G on the plus strand (A>C on the coding strand, the complement: PKD1 is on the minus strand). VCF-style: chr16-2111820-T-G. GRCh37 (hg19) VCF-style: chr16-2161821-T-G.
Other names: c.3347A>C, p.Gln1116Pro (NM_000296.4); short protein forms Q1116P.
Identifiers: ClinVar variation 4531578 (VCV004531578.1).